The following is an entry in ClinVar:

ClinVar aggregate classification (germline): Likely pathogenic (1 of 4 stars; one submission).

Conditions:
Galactosylceramide beta-galactosidase deficiency. Also called: Krabbe Disease; Leukodystrophy, Globoid Cell; GALACTOCEREBROSIDASE DEFICIENCY; GALC DEFICIENCY; GLOBOID CELL LEUKOENCEPHALOPATHY. Identifiers: Orphanet 487, MedGen C0023521, MONDO:0009499, OMIM 245200.

Allele frequency attached by ClinVar (database versions not stated): TOPMed below 0.00001; gnomAD 0.00001.

Submission:

Labcorp Genetics (formerly Invitae), Labcorp
Classification: Likely pathogenic for Galactosylceramide beta-galactosidase deficiency. Last evaluated: 2022-09-17. Review status: criteria provided, single submitter. Criteria: Invitae Variant Classification Sherloc (09022015). Collection method: clinical testing. Allele origin: germline.
Comment: In summary, the currently available evidence indicates that the variant is pathogenic, but additional data are needed to prove that conclusively. Therefore, this variant has been classified as Likely Pathogenic. Algorithms developed to predict the effect of sequence changes on RNA splicing suggest that this variant may disrupt the consensus splice site. ClinVar contains an entry for this variant (Variation ID: 1068240). This variant has not been reported in the literature in individuals affected with GALC-related conditions. This variant is not present in population databases (gnomAD no frequency). This sequence change affects an acceptor splice site in intron 11 of the GALC gene. It is expected to disrupt RNA splicing. Variants that disrupt the donor or acceptor splice site typically lead to a loss of protein function (PMID: 16199547), and loss-of-function variants in GALC are known to be pathogenic (PMID: 7437911, 9272171, 16607461).

Literature cited by the submitters: PubMed 16199547; PubMed 7437911; PubMed 9272171; PubMed 16607461.

NM_000153.4(GALC):c.1252-2A>G

Gene: GALC (galactosylceramidase; minus strand). Cytogenetic location: 14q31.3.
Variant type: single nucleotide variant.
Coding change: c.1252-2A>G on transcript NM_000153.4 (MANE Select); the canonical splice acceptor site of the intron before coding-DNA position 1252, A replaced by G.
Molecular consequence: splice acceptor variant.
Genome position (GRCh38, 1-based): chr14:87,949,933, T>C on the plus strand (A>G on the coding strand, the complement: GALC is on the minus strand). VCF-style: chr14-87949933-T-C. GRCh37 (hg19) VCF-style: chr14-88416277-T-C.
Other names: c.1174-2A>G (NM_001201402.2); c.1183-2A>G (NM_001201401.2).
Identifiers: ClinVar variation 1068240 (VCV001068240.9), dbSNP rs1166863449, ClinGen allele CA390746896.